The following is an entry in ClinVar:

NM_001031739.3(ASB9):c.427A>G (p.Arg143Gly)

Gene: ASB9 (ankyrin repeat and SOCS box containing 9; minus strand). Cytogenetic location: Xp22.2.
Variant type: single nucleotide variant.
Coding change: c.427A>G on transcript NM_001031739.3 (MANE Select); coding-DNA position 427, A replaced by G.
Protein change: p.Arg143Gly; replaces arginine 143 with glycine.
Molecular consequence: missense variant.
Genome position (GRCh38, 1-based): chrX:15,252,260, T>C on the plus strand (A>G on the coding strand, the complement: ASB9 is on the minus strand). VCF-style: chrX-15252260-T-C. GRCh37 (hg19) VCF-style: chrX-15270382-T-C.
Other names: c.427A>G, p.Arg143Gly (NM_001168530.2, NM_001168531.2, NM_024087.3); short protein forms R143G.
Identifiers: ClinVar variation 2660044 (VCV002660044.24), dbSNP rs375423720, ClinGen allele CA10353662.

ClinVar aggregate classification (germline): Likely benign (1 of 4 stars; one submission).

Allele frequency attached by ClinVar (database versions not stated): gnomAD 0.00001; TOPMed 0.00001; gnomAD exomes 0.00004; ExAC 0.00008; ESP Exome Variant Server 0.00009.
gnomAD v4.1: 43 of 1,203,451 alleles (0.0036%); highest among the groups gnomAD compares: South Asian, 0.062%; no homozygotes.

Submission:

CeGaT Center for Human Genetics Tuebingen
Classification: Likely benign. Last evaluated: 2022-12-01. Review status: criteria provided, single submitter. Criteria: CeGaT Center For Human Genetics Tuebingen Variant Classification Criteria Version 2. Collection method: clinical testing. Allele origin: germline. Affected: yes. Observed: 1 variant allele.
Comment: ASB9: BP4, BS2